The following is an entry in ClinVar:

NM_017654.4(SAMD9):c.2403del (p.Phe801fs)

Gene: SAMD9 (sterile alpha motif domain containing 9; minus strand). Cytogenetic location: 7q21.2.
Variant type: Deletion.
Coding change: c.2403del on transcript NM_017654.4 (MANE Select); coding-DNA position 2403, one base deleted (T; older notation c.2403delT).
Protein change: p.Phe801fs; shifts the reading frame from phenylalanine 801.
Molecular consequence: frameshift variant.
Genome position (GRCh38, 1-based): chr7:93,103,695, A deleted on the plus strand (T on the coding strand, the reverse complement: SAMD9 is on the minus strand); the first of 4 consecutive A bases (chr7:93,103,695-93,103,698); deleting any one gives the same sequence. VCF-style (leftmost placement, unchanged base first): chr7-93103694-CA-C. GRCh37 (hg19) VCF-style: chr7-92733007-CA-C.
Other names: c.2403del, p.Phe801fs (NM_001193307.2); short protein forms F801fs.
Identifiers: ClinVar variation 2813385 (VCV002813385.3), dbSNP rs764757524, ClinGen allele CA2739277897.

ClinVar aggregate classification (germline): Uncertain significance (1 of 4 stars; one submission).

Submission:

Labcorp Genetics (formerly Invitae), Labcorp
Classification: Uncertain significance. Last evaluated: 2024-04-10. Review status: criteria provided, single submitter. Criteria: Invitae Variant Classification Sherloc (09022015). Collection method: clinical testing. Allele origin: germline.
Comment: This sequence change creates a premature translational stop signal (p.Phe801Leufs*18) in the SAMD9 gene. While this is not anticipated to result in nonsense mediated decay, it is expected to disrupt the last 789 amino acid(s) of the SAMD9 protein. This variant is not present in population databases (gnomAD no frequency). This variant has not been reported in the literature in individuals affected with SAMD9-related conditions. In summary, the available evidence is currently insufficient to determine the role of this variant in disease. Therefore, it has been classified as a Variant of Uncertain Significance.